The following is an entry in ClinVar:

ClinVar aggregate classification (germline): Likely benign. Review status: criteria provided, multiple submitters, no conflicts (2 of 4 stars). 2 submissions from 2 submitters: Likely benign (2). Last evaluated 2024-05-13.

Conditions:
Ataxia-telangiectasia syndrome (AT). Also called: Ataxia telangiectasia (A-T); Ataxia-telangiectasia, complementation group D; ATAXIA-TELANGIECTASIA, COMPLEMENTATION GROUP A; ATAXIA-TELANGIECTASIA, FRESNO VARIANT; Ataxia-telangiectasia, complementation group E; LOUIS-BAR SYNDROME. Identifiers: Orphanet 100, MedGen C0004135, MONDO:0008840, OMIM 208900.
Familial cancer of breast. Also called: Hereditary breast cancer; hereditary breast carcinoma; BREAST CANCER, FAMILIAL. Identifiers: Orphanet 227535, MedGen C0346153, MONDO:0016419, OMIM 114480. Disease mechanism: loss of function.

Allele frequency attached by ClinVar (database versions not stated): ExAC 0.00001; 1000 Genomes Project 0.00020; 1000 Genomes Project 30x 0.00031.
gnomAD v4.1: 2 of 1,613,908 alleles (0.00012%); highest among the groups gnomAD compares: East Asian, 0.0022%; no homozygotes.

Submissions (2):

Myriad Genetics, Inc.
Classification: Likely benign for Familial cancer of breast. Last evaluated: 2024-05-13. Review status: criteria provided, single submitter. Criteria: Myriad Autosomal Dominant, Autosomal Recessive and X-Linked Classification Criteria (2023). Collection method: clinical testing. Allele origin: unknown.
Comment: This variant is considered likely benign. This variant is intronic and is not expected to impact mRNA splicing.

Labcorp Genetics (formerly Invitae), Labcorp
Classification: Likely benign for Ataxia-telangiectasia syndrome. Last evaluated: 2023-11-14. Review status: criteria provided, single submitter. Criteria: Invitae Variant Classification Sherloc (09022015). Collection method: clinical testing. Allele origin: germline.

NM_000051.4(ATM):c.3154-16A>C

Gene: ATM (ATM serine/threonine kinase; plus strand). Cytogenetic location: 11q22.3.
Variant type: single nucleotide variant.
Coding change: c.3154-16A>C on transcript NM_000051.4 (MANE Select); 16 bases into the intron before coding-DNA position 3154, A replaced by C.
Molecular consequence: intron variant.
Genome position (GRCh38, 1-based): chr11:108,272,706, A>C. VCF-style: chr11-108272706-A-C. GRCh37 (hg19) VCF-style: chr11-108143433-A-C.
Other names: c.3154-16A>C (NM_001351834.2).
Identifiers: ClinVar variation 2996798 (VCV002996798.4), dbSNP rs556888479, ClinGen allele CA6265212.
Genomic context (GRCh38, chr11:108,272,706, plus strand): 5'-AATTTTAAAGCAGTCTTTGTTTGTTAATGAGTAATTTTTCTCTATTTCATATTTAACCAC[A>C]GTTCTTTTCCCGTAGGCTGATCCTTATTCAAAATGGGCCATTCTTAATGTAATGGGAAAA-3'